The following is an entry in ClinVar:

ClinVar aggregate classification (germline): Likely benign. Review status: criteria provided, single submitter (1 of 4 stars). 2 submissions from 2 submitters: Likely benign (1). 1 of the submissions does not count toward it. Last evaluated 2022-12-23.

Conditions:
RECQL4-related disorder. Also called: RECQL4-related disorders; RECQL4-related condition.
Baller-Gerold syndrome (BGS). Also called: CRANIOSYNOSTOSIS WITH RADIAL DEFECTS. Identifiers: Orphanet 1225, MedGen C0265308, MONDO:0009039, OMIM 218600.

Allele frequency attached by ClinVar (database versions not stated): ExAC 0.00001.

Submissions (2):

Labcorp Genetics (formerly Invitae), Labcorp
Classification: Likely benign for Baller-Gerold syndrome. Last evaluated: 2022-12-23. Review status: criteria provided, single submitter. Criteria: Invitae Variant Classification Sherloc (09022015). Collection method: clinical testing. Allele origin: germline.

PreventionGenetics, part of Exact Sciences
Classification: Likely benign for RECQL4-related condition. Last evaluated: 2020-05-11. Review status: no assertion criteria provided. Collection method: clinical testing. Allele origin: germline. Not counted in ClinVar's aggregate classification.
Comment: This variant is classified as likely benign based on ACMG/AMP sequence variant interpretation guidelines (Richards et al. 2015 PMID: 25741868, with internal and published modifications).

NM_004260.4(RECQL4):c.3165C>A (p.Leu1055=)

Gene: RECQL4 (RecQ like helicase 4; minus strand). Cytogenetic location: 8q24.3.
Variant type: single nucleotide variant.
Coding change: c.3165C>A on transcript NM_004260.4 (MANE Select); coding-DNA position 3165, C replaced by A.
Protein change: p.Leu1055=; no amino-acid change (leucine 1055 retained).
Molecular consequence: synonymous variant.
Genome position (GRCh38, 1-based): chr8:144,512,215, G>T on the plus strand (C>A on the coding strand, the complement: RECQL4 is on the minus strand). VCF-style: chr8-144512215-G-T. GRCh37 (hg19) VCF-style: chr8-145737598-G-T.
Other names: c.3165C>A (NM_004260.3).
Identifiers: ClinVar variation 1088078 (VCV001088078.9), dbSNP rs760532630, ClinGen allele CA4947902.